The following is an entry in ClinVar:

NM_152618.3(BBS12):c.895G>A (p.Val299Met)

Gene: BBS12 (Bardet-Biedl syndrome 12; plus strand). Cytogenetic location: 4q27.
Variant type: single nucleotide variant.
Coding change: c.895G>A on transcript NM_152618.3 (MANE Select); coding-DNA position 895, G replaced by A.
Protein change: p.Val299Met; replaces valine 299 with methionine.
Molecular consequence: missense variant.
Genome position (GRCh38, 1-based): chr4:122,742,787, G>A. VCF-style: chr4-122742787-G-A. GRCh37 (hg19) VCF-style: chr4-123663942-G-A.
Other names: c.895G>A, p.Val299Met (NM_001178007.2); short protein forms V299M.
Identifiers: ClinVar variation 3345541 (VCV003345541.1).

ClinVar aggregate classification (germline): Uncertain significance (0 of 4 stars; one submission).

Conditions:
BBS12-related disorder. Also called: BBS12-related condition.

gnomAD v4.1: 2 of 1,614,220 alleles (0.00012%); highest among the groups gnomAD compares: East Asian, 0.0022%; no homozygotes.

Submission:

PreventionGenetics, part of Exact Sciences
Classification: Uncertain significance for BBS12-related condition. Last evaluated: 2024-09-18. Review status: no assertion criteria provided. Collection method: clinical testing. Allele origin: germline.
Comment: The BBS12 c.895G>A variant is predicted to result in the amino acid substitution p.Val299Met. To our knowledge, this variant has not been reported in the literature or in a large population database, indicating this variant is rare. At this time, the clinical significance of this variant is uncertain due to the absence of conclusive functional and genetic evidence.